The following is an entry in ClinVar:

NM_001395513.1(TMPRSS9):c.1196C>A (p.Ser399Ter)

Gene: TMPRSS9 (transmembrane serine protease 9; plus strand). Cytogenetic location: 19p13.3.
Variant type: single nucleotide variant.
Coding change: c.1196C>A on transcript NM_001395513.1 (MANE Select); coding-DNA position 1196, C replaced by A.
Protein change: p.Ser399Ter; replaces serine 399 with a stop codon.
Molecular consequence: nonsense.
Genome position (GRCh38, 1-based): chr19:2,410,336, C>A. VCF-style: chr19-2410336-C-A. GRCh37 (hg19) VCF-style: chr19-2410334-C-A.
Other names: c.500C>A, p.Ser167Ter (NM_001385642.1); c.1094C>A, p.Ser365Ter (NM_182973.3); short protein forms S167*, S365*, S399*.
Identifiers: ClinVar variation 1321299 (VCV001321299.2), dbSNP rs936561410, ClinGen allele CA304222720.

ClinVar aggregate classification (germline): Likely pathogenic (1 of 4 stars; one submission).

Conditions:
Global developmental delay (DD). Also called: Cognitive delay. Identifiers: MedGen C0557874, HP:0001263. Disease mechanism: loss of function.

Allele frequency attached by ClinVar (database versions not stated): gnomAD 0.00001; gnomAD exomes 0.00001.
gnomAD v4.1: 8 of 1,614,100 alleles (0.0005%); highest among the groups gnomAD compares: East Asian, 0.018%; no homozygotes.

Submission:

3billion
Classification: Likely pathogenic for Global developmental delay. Last evaluated: 2021-10-25. Review status: criteria provided, single submitter. Criteria: ACMG Guidelines, 2015. Collection method: clinical testing. Allele origin: unknown. Affected: yes. Observed: 1 heterozygote.
Comment: Stop-gained (nonsense): predicted to result in a loss or disruption of normal protein function through nonsense-mediated decay (NMD) or protein truncation. Multiple pathogenic variants are reported downstream of the variant. It is observed at an extremely low frequency in the gnomAD v2.1.1 dataset (total allele frequency: 0.00001, PM2). Therefore, this variant is classified as likley pathogenic according to the recommendation of ACMG/AMP guideline.